The following is an entry in ClinVar:

ClinVar aggregate classification (germline): Benign (1 of 4 stars; one submission).

Allele frequency attached by ClinVar (database versions not stated): 1000 Genomes Project 30x 0.00297; 1000 Genomes Project 0.00300; gnomAD 0.00582; TOPMed 0.00589; ExAC 0.00617; ESP Exome Variant Server 0.00753; gnomAD exomes 0.00947.
gnomAD v4.1: 14,617 of 1,613,170 alleles (0.91%); highest among the groups gnomAD compares: Non-Finnish European, 1.1%; 101 homozygotes.

Submission:

CeGaT Center for Human Genetics Tuebingen
Classification: Benign. Last evaluated: 2026-07-01. Review status: criteria provided, single submitter. Criteria: CeGaT Center For Human Genetics Tuebingen Variant Classification Criteria Version 2. Collection method: clinical testing. Allele origin: germline. Affected: yes. Observed: 9 variant alleles.
Comment: PPIL1: BP4, BS1, BS2

NM_016059.5(PPIL1):c.281-6C>T

Gene: PPIL1 (peptidylprolyl isomerase like 1; minus strand). Cytogenetic location: 6p21.2.
Variant type: single nucleotide variant.
Coding change: c.281-6C>T on transcript NM_016059.5 (MANE Select); 6 bases into the intron before coding-DNA position 281, C replaced by T.
Molecular consequence: intron variant.
Genome position (GRCh38, 1-based): chr6:36,856,039, G>A on the plus strand (C>T on the coding strand, the complement: PPIL1 is on the minus strand). VCF-style: chr6-36856039-G-A. GRCh37 (hg19) VCF-style: chr6-36823815-G-A.
Identifiers: ClinVar variation 2656520 (VCV002656520.24), dbSNP rs185738522, ClinGen allele CA3781445.